The following is an entry in ClinVar:

ClinVar aggregate classification (germline): Uncertain significance (1 of 4 stars; one submission).

Allele frequency attached by ClinVar (database versions not stated): gnomAD exomes below 0.00001.
gnomAD v4.1: 1 of 1,614,272 alleles (0.000062%); highest among the groups gnomAD compares: Non-Finnish European, 0.000085%; no homozygotes.

Submission:

Labcorp Genetics (formerly Invitae), Labcorp
Classification: Uncertain significance. Last evaluated: 2020-02-02. Review status: criteria provided, single submitter. Criteria: Invitae Variant Classification Sherloc (09022015). Collection method: clinical testing. Allele origin: germline.
Comment: In summary, the available evidence is currently insufficient to determine the role of this variant in disease. Therefore, it has been classified as a Variant of Uncertain Significance. Algorithms developed to predict the effect of missense changes on protein structure and function (SIFT, PolyPhen-2, Align-GVGD) all suggest that this variant is likely to be disruptive, but these predictions have not been confirmed by published functional studies and their clinical significance is uncertain. This variant has not been reported in the literature in individuals with MTOR-related conditions. This variant is not present in population databases (ExAC no frequency). This sequence change replaces proline with leucine at codon 551 of the MTOR protein (p.Pro551Leu). The proline residue is highly conserved and there is a moderate physicochemical difference between proline and leucine.

NM_004958.4(MTOR):c.1652C>T (p.Pro551Leu)

Gene: MTOR (mechanistic target of rapamycin kinase; minus strand). Cytogenetic location: 1p36.22.
Variant type: single nucleotide variant.
Coding change: c.1652C>T on transcript NM_004958.4 (MANE Select); coding-DNA position 1652, C replaced by T.
Protein change: p.Pro551Leu; replaces proline 551 with leucine.
Molecular consequence: missense variant.
Genome position (GRCh38, 1-based): chr1:11,240,437, G>A on the plus strand (C>T on the coding strand, the complement: MTOR is on the minus strand). VCF-style: chr1-11240437-G-A. GRCh37 (hg19) VCF-style: chr1-11300494-G-A.
Other names: c.1652C>T, p.Pro551Leu (NM_001386500.1); c.404C>T, p.Pro135Leu (NM_001386501.1); short protein forms P551L, P135L.
Identifiers: ClinVar variation 1037151 (VCV001037151.9), dbSNP rs1647855910, ClinGen allele CA338392702.